The following is an entry in ClinVar:

ClinVar aggregate classification (germline): Pathogenic (1 of 4 stars; one submission).

Conditions:
Inborn genetic diseases. Identifiers: MedGen C0950123, MeSH D030342.

Submission:

Ambry Genetics
Classification: Pathogenic for Inborn genetic diseases. Last evaluated: 2024-02-16. Review status: criteria provided, single submitter. Criteria: Ambry Variant Classification Scheme 2023. Collection method: clinical testing. Allele origin: germline.
Comment: The c.2500G>T (p.E834*) alteration, located in exon 15 (coding exon 14) of the PUM1 gene, consists of a G to T substitution at nucleotide position 2500. This changes the amino acid from a glutamic acid (E) to a stop codon at amino acid position 834. This alteration is expected to result in loss of function by premature protein truncation or nonsense-mediated mRNA decay. This variant was not reported in population-based cohorts in the Genome Aggregation Database (gnomAD). Based on the available evidence, this alteration is classified as pathogenic.

NM_001020658.2(PUM1):c.2500G>T (p.Glu834Ter)

Gene: PUM1 (pumilio RNA binding family member 1; minus strand). Cytogenetic location: 1p35.2.
Variant type: single nucleotide variant.
Coding change: c.2500G>T on transcript NM_001020658.2 (MANE Select); coding-DNA position 2500, G replaced by T.
Protein change: p.Glu834Ter; replaces glutamic acid 834 with a stop codon.
Molecular consequence: nonsense.
Genome position (GRCh38, 1-based): chr1:30,953,805, C>A on the plus strand (G>T on the coding strand, the complement: PUM1 is on the minus strand). VCF-style: chr1-30953805-C-A. GRCh37 (hg19) VCF-style: chr1-31426652-C-A.
Other names: c.2500G>T, p.Glu834Ter (NM_014676.3); short protein forms E834*.
Identifiers: ClinVar variation 3149783 (VCV003149783.1), dbSNP rs2521450288, ClinGen allele CA339564551.